The following is an entry in ClinVar:

ClinVar aggregate classification (germline): Uncertain significance. Review status: criteria provided, multiple submitters, no conflicts (2 of 4 stars). 2 submissions from 2 submitters: Uncertain significance (2). Last evaluated 2026-03-11.

Conditions:
Hereditary cancer-predisposing syndrome. Also called: Neoplastic Syndromes, Hereditary; Tumor predisposition; Hereditary neoplastic syndrome; Hereditary Cancer Syndrome. Identifiers: Orphanet 140162, MedGen C0027672, MeSH D009386, MONDO:0015356.
Ataxia-telangiectasia-like disorder (ATLD). Identifiers: MedGen C1858391, MONDO:0011457.

Submissions (2):

Ambry Genetics
Classification: Uncertain significance for Hereditary cancer-predisposing syndrome. Last evaluated: 2026-03-11. Review status: criteria provided, single submitter. Criteria: Ambry Variant Classification Scheme 2023. Collection method: clinical testing. Allele origin: germline.
Comment: The p.D516H variant (also known as c.1546G>C), located in coding exon 13 of the MRE11A gene, results from a G to C substitution at nucleotide position 1546. The aspartic acid at codon 516 is replaced by histidine, an amino acid with similar properties. This amino acid position is conserved. In addition, the in silico prediction for this alteration is inconclusive. Based on the available evidence, the clinical significance of this variant remains unclear.

Labcorp Genetics (formerly Invitae), Labcorp
Classification: Uncertain significance for Ataxia-telangiectasia-like disorder. Last evaluated: 2016-04-05. Review status: criteria provided, single submitter. Criteria: Invitae Variant Classification Sherloc (09022015). Collection method: clinical testing. Allele origin: germline.
Comment: This sequence change replaces aspartic acid with histidine at codon 516 of the MRE11A protein (p.Asp516His). The aspartic acid residue is moderately conserved and there is a moderate physicochemical difference between aspartic acid and histidine. This variant is not present in population databases (ExAC no frequency) and has not been reported in the literature in individuals with a MRE11A-related disease. Algorithms developed to predict the effect of missense changes on protein structure and function do not agree on the potential impact of this missense change (SIFT: "Deleterious"; PolyPhen-2: "Possibly Damaging"; Align-GVGD: "Class C0"). In summary, this variant is a novel missense change with uncertain impact on protein function. It has been classified as a Variant of Uncertain Significance.

NM_005591.4(MRE11):c.1546G>C (p.Asp516His)

Gene: MRE11 (MRE11 double strand break repair nuclease; minus strand). Cytogenetic location: 11q21.
Variant type: single nucleotide variant.
Coding change: c.1546G>C on transcript NM_005591.4 (MANE Select); coding-DNA position 1546, G replaced by C.
Protein change: p.Asp516His; replaces aspartic acid 516 with histidine.
Molecular consequence: missense variant.
Genome position (GRCh38, 1-based): chr11:94,456,293, C>G on the plus strand (G>C on the coding strand, the complement: MRE11 is on the minus strand). VCF-style: chr11-94456293-C-G. GRCh37 (hg19) VCF-style: chr11-94189459-C-G.
Other names: c.1546G>C, p.Asp516His (NM_001330347.2, NM_005590.4); short protein forms D516H.
Identifiers: ClinVar variation 407885 (VCV000407885.10), dbSNP rs1060501785, ClinGen allele CA16613702.